The following is an entry in ClinVar:

NM_002778.4(PSAP):c.208G>T (p.Val70Phe)

Gene: PSAP (prosaposin; minus strand). Cytogenetic location: 10q22.1.
Variant type: single nucleotide variant.
Coding change: c.208G>T on transcript NM_002778.4 (MANE Select); coding-DNA position 208, G replaced by T.
Protein change: p.Val70Phe; replaces valine 70 with phenylalanine.
Molecular consequence: missense variant.
Genome position (GRCh38, 1-based): chr10:71,831,887, C>A on the plus strand (G>T on the coding strand, the complement: PSAP is on the minus strand). VCF-style: chr10-71831887-C-A. GRCh37 (hg19) VCF-style: chr10-73591644-C-A.
Other names: c.208G>T, p.Val70Phe (NM_001042465.3, NM_001042466.3); short protein forms V70F.
Identifiers: ClinVar variation 798198 (VCV000798198.12), dbSNP rs750239809, ClinGen allele CA5547848.
Genomic context (GRCh38, chr10:71,831,887, plus strand): 5'-CCCACTCACCGCCGCTCACCTCAGTGGCATTGTCCTTCAGCATATCACCAGCTGCGGTGA[C>A]AACGTCTTTGCATATGTCGCAGGGAAGGGATTTCTAAGAGAAAGAATACGAGAAATTTGT-3'
Protein context (NP_002769.1, residues 60-80): SLPCDICKDV[Val70Phe]TAAGDMLKDN

ClinVar aggregate classification (germline): Likely benign. Review status: criteria provided, multiple submitters, no conflicts (2 of 4 stars). 2 submissions from 2 submitters: Likely benign (2). Last evaluated 2026-01-17.

Conditions:
Sphingolipid activator protein 1 deficiency. Also called: Saposin B Deficiency; METACHROMATIC LEUKODYSTROPHY DUE TO CEREBROSIDE SULFATASE ACTIVATOR DEFICIENCY; Metachromatic leukodystrophy due to saposin B deficiency. Identifiers: Orphanet 512, MedGen C0268262, MONDO:0009590, OMIM 249900.

Allele frequency attached by ClinVar (database versions not stated): gnomAD exomes 0.00015 and 0.00033; TOPMed 0.00015; gnomAD 0.00019; ExAC 0.00022.

Submissions (2):

Labcorp Genetics (formerly Invitae), Labcorp
Classification: Likely benign for Sphingolipid activator protein 1 deficiency. Last evaluated: 2026-01-17. Review status: criteria provided, single submitter. Criteria: Invitae Variant Classification Sherloc (09022015). Collection method: clinical testing. Allele origin: germline.

Women's Health and Genetics/Laboratory Corporation of America, LabCorp
Classification: Likely benign. Last evaluated: 2023-11-09. Review status: criteria provided, single submitter. Criteria: LabCorp Variant Classification Summary - May 2015. Collection method: clinical testing. Allele origin: germline.
Comment: Variant summary: PSAP c.208G>T (p.Val70Phe) results in a non-conservative amino acid change located in region 1 (IPR007856) of the Saposin B type domain (IPR008139) of the encoded protein sequence. Four of five in-silico tools predict a damaging effect of the variant on protein function. The variant allele was found at a frequency of 0.00015 in 780874 control chromosomes, predominantly at a frequency of 0.002 within the Latino subpopulation in the gnomAD database, including 2 homozygotes (gnomAD v4.0.0). The observed variant frequency within Latino control individuals in the gnomAD database is approximately 5 fold of the estimated maximal expected allele frequency for a pathogenic variant in PSAP causing Metachromatic Leukodystrophy phenotype (0.0004), strongly suggesting that the variant is a benign polymorphism found primarily in populations of Latino origin. To our knowledge, no occurrence of c.208G>T in individuals affected with Metachromatic Leukodystrophy and no experimental evidence demonstrating its impact on protein function have been reported. One submitter has reported clinical-significance assessments for this variant to ClinVar after 2014 and has classified the variant as likely benign. Based on the evidence outlined above, the variant was classified as likely benign.